The following is an entry in ClinVar:

ClinVar aggregate classification (germline): Pathogenic. Review status: reviewed by expert panel (3 of 4 stars). 3 submissions from 2 submitters: Pathogenic (1). 2 of the submissions do not count toward it. Last evaluated 2016-10-18.

Conditions:
Breast-ovarian cancer, familial, susceptibility to, 1 (BROVCA1). Also called: OVARIAN CANCER, SUSCEPTIBILITY TO; BRCA1 Hereditary Breast and Ovarian Cancer. Identifiers: Orphanet 145, MedGen C2676676, MONDO:0011450, OMIM 604370. Disease mechanism: loss of function.

Submissions (3):

Evidence-based Network for the Interpretation of Germline Mutant Alleles (ENIGMA)
Classification: Pathogenic for Breast-ovarian cancer, familial, susceptibility to, 1. Last evaluated: 2016-10-18. Review status: reviewed by expert panel. Criteria: ENIGMA BRCA1/2 Classification Criteria (2015). Collection method: curation. Allele origin: germline.
Comment: Variant allele predicted to encode a truncated non-functional protein.

Consortium of Investigators of Modifiers of BRCA1/2 (CIMBA), c/o University of Cambridge
Classification: Pathogenic for Breast-ovarian cancer, familial, susceptibility to, 1. Last evaluated: 2015-10-02. Review status: criteria provided, single submitter. Criteria: CIMBA Mutation Classification guidelines May 2016. Collection method: clinical testing. Allele origin: germline. Not counted in ClinVar's aggregate classification.

Evidence-based Network for the Interpretation of Germline Mutant Alleles (ENIGMA)
Classification: Pathogenic for Breast-ovarian cancer, familial, susceptibility to, 1. Last evaluated: 2017-12-15. Review status: flagged submission. Criteria: ENIGMA BRCA1/2 Classification Criteria (2017-06-29). Collection method: curation. Allele origin: germline. Study: ENIGMA. Not counted in ClinVar's aggregate classification.
Comment: the same text as in the submission from Evidence-based Network for the Interpretation of Germline Mutant Alleles (ENIGMA) above.
ClinVar note: Reason: This record appears to be redundant with a more recent record from the same submitter.
ClinVar note: Notes: SCV000783198 appears to be redundant with SCV000323570.

NM_007294.4(BRCA1):c.3150_3208dup (p.Ala1070delinsValLeuMetLysTrpAlaProValLeuMetLysTer)

Gene: BRCA1 (BRCA1 DNA repair associated; minus strand). Cytogenetic location: 17q21.31.
Variant type: Duplication.
Coding change: c.3150_3208dup on transcript NM_007294.4 (MANE Select); coding-DNA positions 3150 to 3208, 59 bases duplicated.
Protein change: p.Ala1070delinsValLeuMetLysTrpAlaProValLeuMetLysTer.
Molecular consequence: nonsense. On other transcripts: intron variant (137).
Genome position (GRCh38, 1-based): chr17:43,092,323-43,092,381, 59 bases duplicated. GRCh37 (hg19): chr17:41,244,342-41,244,400.
Other names: 3327_3328ins59; c.2937_2995dup, p.Ala999delinsValLeuMetLysTrpAlaProValLeuMetLysTer (NM_001407571.1, NM_001407853.1, NM_001407894.1 and 9 more transcripts); c.3150_3208dup, p.Ala1070delinsValLeuMetLysTrpAlaProValLeuMetLysTer (NM_001407581.1, NM_001407582.1, NM_001407583.1 and 30 more transcripts); c.3147_3205dup, p.Ala1069delinsValLeuMetLysTrpAlaProValLeuMetLysTer (NM_001407587.1, NM_001407590.1, NM_001407591.1 and 22 more transcripts); c.3141_3199dup, p.Ala1067delinsValLeuMetLysTrpAlaProValLeuMetLysTer (NM_001407646.1, NM_001407647.1); c.3027_3085dup, p.Ala1029delinsValLeuMetLysTrpAlaProValLeuMetLysTer (NM_001407648.1, NM_001407664.1, NM_001407665.1 and 19 more transcripts); c.3024_3082dup, p.Ala1028delinsValLeuMetLysTrpAlaProValLeuMetLysTer (NM_001407649.1, NM_001407670.1, NM_001407671.1 and 11 more transcripts); c.3072_3130dup, p.Ala1044delinsValLeuMetLysTrpAlaProValLeuMetLysTer (NM_001407653.1, NM_001407654.1, NM_001407655.1 and 4 more transcripts); and 42 more.
Identifiers: ClinVar variation 266339 (VCV000266339.6), dbSNP rs1555588199, ClinGen allele CA10589777.